The following is an entry in ClinVar:

ClinVar aggregate classification (germline): Uncertain significance (1 of 4 stars; one submission).

Conditions:
Fanconi anemia (FA). Also called: Fanconi's anemia. Identifiers: Orphanet 84, MedGen C0015625, MeSH D005199, MONDO:0019391.

Allele frequency attached by ClinVar (database versions not stated): ExAC 0.00001.

Submission:

Labcorp Genetics (formerly Invitae), Labcorp
Classification: Uncertain significance for Fanconi anemia. Last evaluated: 2021-10-19. Review status: criteria provided, single submitter. Criteria: Invitae Variant Classification Sherloc (09022015). Collection method: clinical testing. Allele origin: germline.
Comment: Algorithms developed to predict the effect of sequence changes on RNA splicing suggest that this variant may create or strengthen a splice site. In summary, the available evidence is currently insufficient to determine the role of this variant in disease. Therefore, it has been classified as a Variant of Uncertain Significance. Algorithms developed to predict the effect of missense changes on protein structure and function are either unavailable or do not agree on the potential impact of this missense change (SIFT: "Tolerated"; PolyPhen-2: "Probably Damaging"; Align-GVGD: "Class C0"). This variant has not been reported in the literature in individuals affected with FANCD2-related conditions. This variant is present in population databases (rs762148969, ExAC 0.01%). This sequence change replaces lysine with arginine at codon 1283 of the FANCD2 protein (p.Lys1283Arg). The lysine residue is highly conserved and there is a small physicochemical difference between lysine and arginine.

NM_001018115.3(FANCD2):c.3848A>G (p.Lys1283Arg)

Genes: FANCD2 (FA complementation group D2; plus strand), FANCD2OS (FANCD2 opposite strand; minus strand). Cytogenetic location: 3p25.3.
Variant type: single nucleotide variant.
Coding change: c.3848A>G on transcript NM_001018115.3 (MANE Select); coding-DNA position 3848, A replaced by G.
Protein change: p.Lys1283Arg; replaces lysine 1283 with arginine.
Molecular consequence: missense variant. On other transcripts: intron variant (1).
Genome position (GRCh38, 1-based): chr3:10,092,251, A>G. VCF-style: chr3-10092251-A-G. GRCh37 (hg19) VCF-style: chr3-10133935-A-G.
Other names: c.3848A>G, p.Lys1283Arg (NM_001319984.2, NM_001374254.1, NM_033084.6); c.3737A>G, p.Lys1246Arg (NM_001374253.1); c.*44-10720T>C (NM_173472.2); short protein forms K1246R, K1283R.
Identifiers: ClinVar variation 1482785 (VCV001482785.7), dbSNP rs762148969, ClinGen allele CA2250532.